The following is an entry in ClinVar:

NM_004260.4(RECQL4):c.379C>G (p.Pro127Ala)

Gene: RECQL4 (RecQ like helicase 4; minus strand). Cytogenetic location: 8q24.3.
Variant type: single nucleotide variant.
Coding change: c.379C>G on transcript NM_004260.4 (MANE Select); coding-DNA position 379, C replaced by G.
Protein change: p.Pro127Ala; replaces proline 127 with alanine.
Molecular consequence: missense variant.
Genome position (GRCh38, 1-based): chr8:144,516,740, G>C on the plus strand (C>G on the coding strand, the complement: RECQL4 is on the minus strand). VCF-style: chr8-144516740-G-C. GRCh37 (hg19) VCF-style: chr8-145742124-G-C.
Other names: short protein forms P127A.
Identifiers: ClinVar variation 953497 (VCV000953497.5), dbSNP rs1815101287, ClinGen allele CA372691700.

ClinVar aggregate classification (germline): Uncertain significance (1 of 4 stars; one submission).

Conditions:
Baller-Gerold syndrome (BGS). Also called: CRANIOSYNOSTOSIS WITH RADIAL DEFECTS. Identifiers: Orphanet 1225, MedGen C0265308, MONDO:0009039, OMIM 218600.

Submission:

Labcorp Genetics (formerly Invitae), Labcorp
Classification: Uncertain significance for Baller-Gerold syndrome. Last evaluated: 2021-07-23. Review status: criteria provided, single submitter. Criteria: Invitae Variant Classification Sherloc (09022015). Collection method: clinical testing. Allele origin: germline.
Comment: In summary, the available evidence is currently insufficient to determine the role of this variant in disease. Therefore, it has been classified as a Variant of Uncertain Significance. Algorithms developed to predict the effect of missense changes on protein structure and function are either unavailable or do not agree on the potential impact of this missense change (SIFT: "Tolerated"; PolyPhen-2: "Not Available"; Align-GVGD: "Class C0"). This variant has not been reported in the literature in individuals with RECQL4-related conditions. This variant is not present in population databases (ExAC no frequency). This sequence change replaces proline with alanine at codon 127 of the RECQL4 protein (p.Pro127Ala). The proline residue is moderately conserved and there is a small physicochemical difference between proline and alanine.